The following is an entry in ClinVar:

NM_020964.3(EPG5):c.3099-6C>G

Gene: EPG5 (ectopic P-granules 5 autophagy tethering factor; minus strand). Cytogenetic location: 18q21.1.
Variant type: single nucleotide variant.
Coding change: c.3099-6C>G on transcript NM_020964.3 (MANE Select); 6 bases into the intron before coding-DNA position 3099, C replaced by G.
Molecular consequence: intron variant.
Genome position (GRCh38, 1-based): chr18:45,917,825, G>C on the plus strand (C>G on the coding strand, the complement: EPG5 is on the minus strand). VCF-style: chr18-45917825-G-C. GRCh37 (hg19) VCF-style: chr18-43497790-G-C.
Other names: c.3099-6C>G (NM_001410858.1, NM_001410859.1).
Identifiers: ClinVar variation 4279684 (VCV004279684.1).

ClinVar aggregate classification (germline): Uncertain significance (1 of 4 stars; one submission).

Conditions:
Vici syndrome (VICIS). Identifiers: Orphanet 1493, MedGen C1855772, MONDO:0009452, OMIM 242840.

Submission:

Daryl Scott Lab, Baylor College of Medicine
Classification: Uncertain significance for Vici syndrome. Last evaluated: 2025-08-25. Review status: criteria provided, single submitter. Criteria: ACMG Guidelines, 2015. Collection method: clinical testing. Allele origin: maternal. Affected: yes. Observed: 1 compound heterozygote.
Comment: PM2, BP4